The following is an entry in ClinVar:

NM_138576.4(BCL11B):c.2678G>A (p.Arg893Lys)

Gene: BCL11B (BCL11 transcription factor B; minus strand). Cytogenetic location: 14q32.2.
Variant type: single nucleotide variant.
Coding change: c.2678G>A on transcript NM_138576.4 (MANE Select); coding-DNA position 2678, G replaced by A.
Protein change: p.Arg893Lys; replaces arginine 893 with lysine.
Molecular consequence: missense variant.
Genome position (GRCh38, 1-based): chr14:99,174,158, C>T on the plus strand (G>A on the coding strand, the complement: BCL11B is on the minus strand). VCF-style: chr14-99174158-C-T. GRCh37 (hg19) VCF-style: chr14-99640495-C-T.
Other names: c.2675G>A, p.Arg892Lys (NM_001282237.2); c.2462G>A, p.Arg821Lys (NM_001282238.2); c.2465G>A, p.Arg822Lys (NM_022898.3); short protein forms R822K, R892K, R821K, R893K.
Identifiers: ClinVar variation 4746869 (VCV004746869.1).

ClinVar aggregate classification (germline): Uncertain significance (1 of 4 stars; one submission).

gnomAD v4.1: 5 of 1,612,086 alleles (0.00031%); highest among the groups gnomAD compares: Non-Finnish European, 0.00042%; no homozygotes.

Submission:

Labcorp Genetics (formerly Invitae), Labcorp
Classification: Uncertain significance. Last evaluated: 2025-09-28. Review status: criteria provided, single submitter. Criteria: Invitae Variant Classification Sherloc (09022015). Collection method: clinical testing. Allele origin: germline.
Comment: This sequence change replaces arginine, which is basic and polar, with lysine, which is basic and polar, at codon 893 of the BCL11B protein (p.Arg893Lys). This variant is not present in population databases (gnomAD no frequency). This variant has not been reported in the literature in individuals affected with BCL11B-related conditions. Invitae Evidence Modeling of protein sequence and biophysical properties (such as structural, functional, and spatial information, amino acid conservation, physicochemical variation, residue mobility, and thermodynamic stability) has been performed for this missense variant. However, the output from this modeling did not meet the statistical confidence thresholds required to predict the impact of this variant on BCL11B protein function. In summary, the available evidence is currently insufficient to determine the role of this variant in disease. Therefore, it has been classified as a Variant of Uncertain Significance.